The following is an entry in ClinVar:

ClinVar aggregate classification (germline): Uncertain significance (1 of 4 stars; one submission).

gnomAD v4.1: 6 of 1,608,434 alleles (0.00037%); highest among the groups gnomAD compares: East Asian, 0.0022%; no homozygotes.

Submission:

Labcorp Genetics (formerly Invitae), Labcorp
Classification: Uncertain significance. Last evaluated: 2023-10-06. Review status: criteria provided, single submitter. Criteria: Invitae Variant Classification Sherloc (09022015). Collection method: clinical testing. Allele origin: germline.
Comment: This sequence change replaces tyrosine, which is neutral and polar, with cysteine, which is neutral and slightly polar, at codon 258 of the SORL1 protein (p.Tyr258Cys). This variant is present in population databases (no rsID available, gnomAD 0.006%). This variant has not been reported in the literature in individuals affected with SORL1-related conditions. An algorithm developed to predict the effect of missense changes on protein structure and function (PolyPhen-2) suggests that this variant is likely to be disruptive. In summary, the available evidence is currently insufficient to determine the role of this variant in disease. Therefore, it has been classified as a Variant of Uncertain Significance.

NM_003105.6(SORL1):c.773A>G (p.Tyr258Cys)

Gene: SORL1 (sortilin related receptor 1; plus strand). Cytogenetic location: 11q24.1.
Variant type: single nucleotide variant.
Coding change: c.773A>G on transcript NM_003105.6 (MANE Select); coding-DNA position 773, A replaced by G.
Protein change: p.Tyr258Cys; replaces tyrosine 258 with cysteine.
Molecular consequence: missense variant.
Genome position (GRCh38, 1-based): chr11:121,496,883, A>G. VCF-style: chr11-121496883-A-G. GRCh37 (hg19) VCF-style: chr11-121367592-A-G.
Other names: short protein forms Y258C.
Identifiers: ClinVar variation 3012365 (VCV003012365.3), dbSNP rs201465902, ClinGen allele CA383286688.